The following is an entry in ClinVar:

ClinVar aggregate classification (germline): Pathogenic (0 of 4 stars; one submission).

Conditions:
Chromosome 1q21.1 deletion syndrome. Also called: 1q21.1 recurrent microdeletion; CHROMOSOME 1q21.1 DELETION SYNDROME, 1.35-MB; 1q21.1 Deletion. Identifiers: Orphanet 250989, MedGen C2675897, MONDO:0012914, OMIM 612474.

Submission:

Baylor Genetics
Classification: Pathogenic for Chromosome 1q21.1 deletion syndrome. Review status: no assertion criteria provided. Collection method: clinical testing. Allele origin: germline. Inheritance: Autosomal dominant inheritance. Affected: yes.

Single allele

Genes: ACP6 (acid phosphatase 6, lysophosphatidic; minus strand), BCL9 (BCL9 transcription coactivator; plus strand), CHD1L (chromodomain helicase DNA binding protein 1 like; plus strand), FMO5 (flavin containing dimethylaniline monoxygenase 5; minus strand), GJA5 (gap junction protein alpha 5; minus strand) and 3 more. Cytogenetic location: 1q21.1-21.2.
Variant type: Deletion.
Identifiers: ClinVar variation 374371 (VCV000374371.1).